The following is an entry in ClinVar:

ClinVar aggregate classification (germline): Uncertain significance. Review status: criteria provided, multiple submitters, no conflicts (2 of 4 stars). 2 submissions from 2 submitters: Uncertain significance (2). Last evaluated 2023-08-16.

Conditions:
Charcot-Marie-Tooth disease type 2. Also called: Charcot-Marie-Tooth type 2. Identifiers: Orphanet 64746, MedGen C0270914, MONDO:0018993.

Allele frequency attached by ClinVar (database versions not stated): gnomAD exomes below 0.00001; TOPMed 0.00001.
gnomAD v4.1: 2 of 1,614,160 alleles (0.00012%); highest among the groups gnomAD compares: South Asian, 0.0011%; no homozygotes.

Submissions (2):

Labcorp Genetics (formerly Invitae), Labcorp
Classification: Uncertain significance for Charcot-Marie-Tooth disease type 2. Last evaluated: 2023-08-16. Review status: criteria provided, single submitter. Criteria: Invitae Variant Classification Sherloc (09022015). Collection method: clinical testing. Allele origin: germline.
Comment: In summary, the available evidence is currently insufficient to determine the role of this variant in disease. Therefore, it has been classified as a Variant of Uncertain Significance. Advanced modeling of protein sequence and biophysical properties (such as structural, functional, and spatial information, amino acid conservation, physicochemical variation, residue mobility, and thermodynamic stability) performed at Invitae indicates that this missense variant is not expected to disrupt KIF1B protein function. ClinVar contains an entry for this variant (Variation ID: 1744741). This variant has not been reported in the literature in individuals affected with KIF1B-related conditions. This variant is not present in population databases (gnomAD no frequency). This sequence change replaces proline, which is neutral and non-polar, with leucine, which is neutral and non-polar, at codon 397 of the KIF1B protein (p.Pro397Leu).

Ambry Genetics
Classification: Uncertain significance. Last evaluated: 2022-07-02. Review status: criteria provided, single submitter. Criteria: Ambry Variant Classification Scheme 2023. Collection method: clinical testing. Allele origin: germline.
Comment: The p.P397L variant (also known as c.1190C>T), located in coding exon 12 of the KIF1B gene, results from a C to T substitution at nucleotide position 1190. The proline at codon 397 is replaced by leucine, an amino acid with similar properties. This amino acid position is conserved. In addition, the in silico prediction for this alteration is inconclusive. Since supporting evidence is limited at this time, the clinical significance of this alteration remains unclear.

NM_001365951.3(KIF1B):c.1328C>T (p.Pro443Leu)

Gene: KIF1B (kinesin family member 1B; plus strand). Cytogenetic location: 1p36.22.
Variant type: single nucleotide variant.
Coding change: c.1328C>T on transcript NM_001365951.3 (MANE Select); coding-DNA position 1328, C replaced by T.
Protein change: p.Pro443Leu; replaces proline 443 with leucine.
Molecular consequence: missense variant.
Genome position (GRCh38, 1-based): chr1:10,282,427, C>T. VCF-style: chr1-10282427-C-T. GRCh37 (hg19) VCF-style: chr1-10342485-C-T.
Other names: c.1328C>T, p.Pro443Leu (NM_001365952.1); c.1190C>T, p.Pro397Leu (NM_001365953.1, NM_015074.3, NM_183416.4); short protein forms P397L, P443L.
Identifiers: ClinVar variation 1744741 (VCV001744741.7), dbSNP rs1443116856, ClinGen allele CA338336235.